The following is an entry in ClinVar:

ClinVar aggregate classification (germline): Uncertain significance. Review status: criteria provided, multiple submitters, no conflicts (2 of 4 stars). 2 submissions from 2 submitters: Uncertain significance (2). Last evaluated 2025-12-26.

Conditions:
Inborn genetic diseases. Identifiers: MedGen C0950123, MeSH D030342.

Submissions (2):

Labcorp Genetics (formerly Invitae), Labcorp
Classification: Uncertain significance. Last evaluated: 2025-12-26. Review status: criteria provided, single submitter. Criteria: Invitae Variant Classification Sherloc (09022015). Collection method: clinical testing. Allele origin: germline.
Comment: This sequence change replaces proline, which is neutral and non-polar, with leucine, which is neutral and non-polar, at codon 91 of the TCIRG1 protein (p.Pro91Leu). This variant is present in population databases (no rsID available, gnomAD 0.01%). This variant has not been reported in the literature in individuals affected with TCIRG1-related conditions. ClinVar contains an entry for this variant (Variation ID: 3703293). Invitae Evidence Modeling of protein sequence and biophysical properties (such as structural, functional, and spatial information, amino acid conservation, physicochemical variation, residue mobility, and thermodynamic stability) indicates that this missense variant is not expected to disrupt TCIRG1 protein function with a negative predictive value of 80%. In summary, the available evidence is currently insufficient to determine the role of this variant in disease. Therefore, it has been classified as a Variant of Uncertain Significance.

Ambry Genetics
Classification: Uncertain significance for Inborn genetic diseases. Last evaluated: 2025-08-08. Review status: criteria provided, single submitter. Criteria: Ambry Variant Classification Scheme 2023. Collection method: clinical testing. Allele origin: germline.

NM_006019.4(TCIRG1):c.272C>T (p.Pro91Leu)

Gene: TCIRG1 (T cell immune regulator 1, ATPase H+ transporting V0 subunit a3; plus strand). Cytogenetic location: 11q13.2.
Variant type: single nucleotide variant.
Coding change: c.272C>T on transcript NM_006019.4 (MANE Select); coding-DNA position 272, C replaced by T.
Protein change: p.Pro91Leu; replaces proline 91 with leucine.
Molecular consequence: missense variant. On other transcripts: 5 prime UTR variant (1).
Genome position (GRCh38, 1-based): chr11:68,042,718, C>T. VCF-style: chr11-68042718-C-T. GRCh37 (hg19) VCF-style: chr11-67810185-C-T.
Other names: c.-978C>T (NM_001351059.2); c.272C>T (NM_006019.3); short protein forms P91L.
Identifiers: ClinVar variation 3703293 (VCV003703293.3).